The following is an entry in ClinVar:

NM_002335.4(LRP5):c.4105A>G (p.Met1369Val)

Gene: LRP5 (LDL receptor related protein 5; plus strand). Cytogenetic location: 11q13.2.
Variant type: single nucleotide variant.
Coding change: c.4105A>G on transcript NM_002335.4 (MANE Select); coding-DNA position 4105, A replaced by G.
Protein change: p.Met1369Val; replaces methionine 1369 with valine.
Molecular consequence: missense variant.
Genome position (GRCh38, 1-based): chr11:68,436,993, A>G. VCF-style: chr11-68436993-A-G. GRCh37 (hg19) VCF-style: chr11-68204461-A-G.
Other names: c.2362A>G, p.Met788Val (NM_001291902.2); short protein forms M788V, M1369V.
Identifiers: ClinVar variation 3634241 (VCV003634241.2).

ClinVar aggregate classification (germline): Uncertain significance (1 of 4 stars; one submission).

Submission:

Labcorp Genetics (formerly Invitae), Labcorp
Classification: Uncertain significance. Last evaluated: 2024-08-12. Review status: criteria provided, single submitter. Criteria: Invitae Variant Classification Sherloc (09022015). Collection method: clinical testing. Allele origin: germline.
Comment: This sequence change replaces methionine, which is neutral and non-polar, with valine, which is neutral and non-polar, at codon 1369 of the LRP5 protein (p.Met1369Val). This variant is not present in population databases (gnomAD no frequency). This variant has not been reported in the literature in individuals affected with LRP5-related conditions. Advanced modeling of protein sequence and biophysical properties (such as structural, functional, and spatial information, amino acid conservation, physicochemical variation, residue mobility, and thermodynamic stability) performed at Invitae indicates that this missense variant is not expected to disrupt LRP5 protein function with a negative predictive value of 95%. In summary, the available evidence is currently insufficient to determine the role of this variant in disease. Therefore, it has been classified as a Variant of Uncertain Significance.